The following is an entry in ClinVar:

NM_005589.4(ALDH6A1):c.1551AGA[2] (p.Glu519del)

Genes: ALDH6A1 (aldehyde dehydrogenase 6 family member A1; minus strand), BBOF1 (basal body orientation factor 1; plus strand). Cytogenetic location: 14q24.3.
Variant type: Microsatellite.
Coding change: c.1551AGA[2] on transcript NM_005589.4 (MANE Select); two copies in a row of the 3-base unit AGA starting at c.1551; the reference has three copies in a row; one copy, 3 bases deleted.
Protein change: p.Glu519del; deletes glutamic acid 519.
Molecular consequence: inframe deletion. On other transcripts: intron variant (1).
Genome position (GRCh38, 1-based): chr14:74,060,691-74,060,693, TCT deleted on the plus strand (AGA on the coding strand, the reverse complement: ALDH6A1 is on the minus strand); deleting any 3 consecutive bases within chr14:74,060,691-74,060,700 gives the same sequence; the position shown is the placement nearest the transcript's 3' end. VCF-style (leftmost placement, unchanged base first): chr14-74060690-ATCT-A. GRCh37 (hg19) VCF-style: chr14-74527393-ATCT-A.
Other names: c.1512AGA[2], p.Glu506del (NM_001278593.2); c.1089AGA[2], p.Glu365del (NM_001278594.2); c.1578+3433TCT[2] (NM_025057.3); short protein forms E519del, E506del, E365del.
Identifiers: ClinVar variation 314169 (VCV000314169.8), dbSNP rs771596943, ClinGen allele CA7265567.
Genomic context (GRCh38, chr14:74,060,690, plus strand): 5'-ACAAACTTGTTTCTAACGGCCCATGGTAGGCATGACAACAGCAGGTGAGGAAAGAGTAGC[ATCT>A]TCTTCTTTCCACTGAGAAGTAATGGTCTTTAACTGAGTGTAGAATTGGATGCCCTAAGGA-3'

ClinVar aggregate classification (germline): Uncertain significance (1 of 4 stars; one submission).

Submission:

Labcorp Genetics (formerly Invitae), Labcorp
Classification: Uncertain significance. Last evaluated: 2024-05-23. Review status: criteria provided, single submitter. Criteria: Invitae Variant Classification Sherloc (09022015). Collection method: clinical testing. Allele origin: germline.
Comment: This variant, c.1557_1559del, results in the deletion of 1 amino acid(s) of the ALDH6A1 protein (p.Glu519del), but otherwise preserves the integrity of the reading frame. This variant is present in population databases (rs771596943, gnomAD 0.05%). This variant has not been reported in the literature in individuals affected with ALDH6A1-related conditions. ClinVar contains an entry for this variant (Variation ID: 314169). Experimental studies and prediction algorithms are not available or were not evaluated, and the functional significance of this variant is currently unknown. In summary, the available evidence is currently insufficient to determine the role of this variant in disease. Therefore, it has been classified as a Variant of Uncertain Significance.